The following is an entry in ClinVar:

ClinVar aggregate classification (germline): Uncertain significance. Review status: criteria provided, multiple submitters, no conflicts (2 of 4 stars). 2 submissions from 2 submitters: Uncertain significance (2). Last evaluated 2026-01-20.

Conditions:
Inborn genetic diseases. Identifiers: MedGen C0950123, MeSH D030342.
Autosomal recessive polycystic kidney disease (ARPKD). Also called: AR polycystic kidney disease. Identifiers: Orphanet 731, Orphanet 8378, MedGen C0085548, MeSH D017044, MONDO:0009889.

Allele frequency attached by ClinVar (database versions not stated): gnomAD exomes 0.00001; ExAC 0.00002; TOPMed 0.00004; gnomAD 0.00006.
gnomAD v4.1: 25 of 1,614,026 alleles (0.0015%); highest among the groups gnomAD compares: Non-Finnish European, 0.0019%; no homozygotes.

Submissions (2):

Labcorp Genetics (formerly Invitae), Labcorp
Classification: Uncertain significance for Autosomal recessive polycystic kidney disease. Last evaluated: 2026-01-20. Review status: criteria provided, single submitter. Criteria: Invitae Variant Classification Sherloc (09022015). Collection method: clinical testing. Allele origin: germline.
Comment: This sequence change replaces tyrosine, which is neutral and polar, with cysteine, which is neutral and slightly polar, at codon 701 of the PKHD1 protein (p.Tyr701Cys). This variant is present in population databases (rs752802882, gnomAD 0.004%). This variant has not been reported in the literature in individuals affected with PKHD1-related conditions. ClinVar contains an entry for this variant (Variation ID: 2515790). Invitae Evidence Modeling of protein sequence and biophysical properties (such as structural, functional, and spatial information, amino acid conservation, physicochemical variation, residue mobility, and thermodynamic stability) indicates that this missense variant is not expected to disrupt PKHD1 protein function with a negative predictive value of 95%. In summary, the available evidence is currently insufficient to determine the role of this variant in disease. Therefore, it has been classified as a Variant of Uncertain Significance.

Ambry Genetics
Classification: Uncertain significance for Inborn genetic diseases. Last evaluated: 2023-03-22. Review status: criteria provided, single submitter. Criteria: Ambry Variant Classification Scheme 2023. Collection method: clinical testing. Allele origin: germline.

NM_138694.4(PKHD1):c.2102A>G (p.Tyr701Cys)

Gene: PKHD1 (PKHD1 ciliary IPT domain containing fibrocystin/polyductin; minus strand). Cytogenetic location: 6p12.2.
Variant type: single nucleotide variant.
Coding change: c.2102A>G on transcript NM_138694.4 (MANE Select); coding-DNA position 2102, A replaced by G.
Protein change: p.Tyr701Cys; replaces tyrosine 701 with cysteine.
Molecular consequence: missense variant.
Genome position (GRCh38, 1-based): chr6:52,053,114, T>C on the plus strand (A>G on the coding strand, the complement: PKHD1 is on the minus strand). VCF-style: chr6-52053114-T-C. GRCh37 (hg19) VCF-style: chr6-51917912-T-C.
Other names: c.2102A>G, p.Tyr701Cys (NM_170724.3); short protein forms Y701C.
Identifiers: ClinVar variation 2515790 (VCV002515790.3), dbSNP rs752802882, ClinGen allele CA3853344.